The following is an entry in ClinVar:

ClinVar aggregate classification (germline): Uncertain significance (1 of 4 stars; one submission).

Conditions:
Nephronophthisis. Also called: Juvenile Nephronophthisis. Identifiers: Orphanet 655, MedGen C0687120, MONDO:0019005, HP:0000090.

Submission:

Labcorp Genetics (formerly Invitae), Labcorp
Classification: Uncertain significance for Nephronophthisis. Last evaluated: 2025-12-20. Review status: criteria provided, single submitter. Criteria: Invitae Variant Classification Sherloc (09022015). Collection method: clinical testing. Allele origin: germline.
Comment: This sequence change replaces serine, which is neutral and polar, with threonine, which is neutral and polar, at codon 1210 of the NPHP3 protein (p.Ser1210Thr). This variant is not present in population databases (gnomAD no frequency). This variant has not been reported in the literature in individuals affected with NPHP3-related conditions. Invitae Evidence Modeling of protein sequence and biophysical properties (such as structural, functional, and spatial information, amino acid conservation, physicochemical variation, residue mobility, and thermodynamic stability) indicates that this missense variant is not expected to disrupt NPHP3 protein function with a negative predictive value of 80%. In summary, the available evidence is currently insufficient to determine the role of this variant in disease. Therefore, it has been classified as a Variant of Uncertain Significance.

NM_153240.5(NPHP3):c.3628T>A (p.Ser1210Thr)

Genes: NPHP3 (nephrocystin 3; minus strand), NPHP3-ACAD11 (NPHP3-ACAD11 readthrough (NMD candidate); minus strand). Cytogenetic location: 3q22.1.
Variant type: single nucleotide variant.
Coding change: c.3628T>A on transcript NM_153240.5 (MANE Select); coding-DNA position 3628, T replaced by A.
Protein change: p.Ser1210Thr; replaces serine 1210 with threonine.
Molecular consequence: missense variant. On other transcripts: non-coding transcript variant (1).
Genome position (GRCh38, 1-based): chr3:132,683,467, A>T on the plus strand (T>A on the coding strand, the complement: NPHP3 is on the minus strand). VCF-style: chr3-132683467-A-T. GRCh37 (hg19) VCF-style: chr3-132402311-A-T.
Other names: short protein forms S1210T.
Identifiers: ClinVar variation 4742483 (VCV004742483.1).
Genomic context (GRCh38, chr3:132,683,467, plus strand): 5'-TATAAAGAACAGCTAAGTTCACCAAGGCAGTAGCTACACTAGGGTGCTTTGGGCCAAAAG[A>T]TTTCTGTCGAATTTCAACAGCCAATTCATACAAAGGTACAGCTTTGTCAAGTTTCCCCTA-3'
Protein context (NP_694972.3, residues 1200-1220): YELAVEIRQK[Ser1210Thr]FGPKHPSVAT